The following is an entry in ClinVar:

NM_001371986.1(UNC80):c.1799G>A (p.Cys600Tyr)

Gene: UNC80 (unc-80 subunit of NALCN channel complex; plus strand). Cytogenetic location: 2q34.
Variant type: single nucleotide variant.
Coding change: c.1799G>A on transcript NM_001371986.1 (MANE Select); coding-DNA position 1799, G replaced by A.
Protein change: p.Cys600Tyr; replaces cysteine 600 with tyrosine.
Molecular consequence: missense variant.
Genome position (GRCh38, 1-based): chr2:209,819,098, G>A. VCF-style: chr2-209819098-G-A. GRCh37 (hg19) VCF-style: chr2-210683822-G-A.
Other names: c.1799G>A, p.Cys600Tyr (NM_032504.2, NM_182587.4); short protein forms C600Y.
Identifiers: ClinVar variation 1491632 (VCV001491632.7), dbSNP rs1312119994, ClinGen allele CA350135698.
Genomic context (GRCh38, chr2:209,819,098, plus strand): 5'-CTTTGGCGTCATTCAACGTAGGCTATGCAGACTTTTTCAATGAGCATATGAGGAAACTCT[G>A]CAACCAGGTGCCTATCCCGGAGATGCCACATGAACCTCTGGCATGTGCTAACCTACCTCG-3'
Protein context (NP_001358915.1, residues 590-610): DFFNEHMRKL[Cys600Tyr]NQVPIPEMPH

ClinVar aggregate classification (germline): Uncertain significance (1 of 4 stars; one submission).

Allele frequency attached by ClinVar (database versions not stated): gnomAD exomes below 0.00001 and 0.00001; gnomAD 0.00001.
gnomAD v4.1: 3 of 1,552,056 alleles (0.00019%); highest among the groups gnomAD compares: Admixed American, 0.0039%; no homozygotes.

Submission:

Labcorp Genetics (formerly Invitae), Labcorp
Classification: Uncertain significance. Last evaluated: 2024-10-22. Review status: criteria provided, single submitter. Criteria: Invitae Variant Classification Sherloc (09022015). Collection method: clinical testing. Allele origin: germline.
Comment: This sequence change replaces cysteine, which is neutral and slightly polar, with tyrosine, which is neutral and polar, at codon 600 of the UNC80 protein (p.Cys600Tyr). This variant is present in population databases (no rsID available, gnomAD 0.004%). This variant has not been reported in the literature in individuals affected with UNC80-related conditions. ClinVar contains an entry for this variant (Variation ID: 1491632). An algorithm developed to predict the effect of missense changes on protein structure and function (PolyPhen-2) suggests that this variant is likely to be disruptive. In summary, the available evidence is currently insufficient to determine the role of this variant in disease. Therefore, it has been classified as a Variant of Uncertain Significance.